The following is an entry in ClinVar:

NM_007294.4(BRCA1):c.1230del (p.Asp411fs)

Gene: BRCA1 (BRCA1 DNA repair associated; minus strand). Cytogenetic location: 17q21.31.
Variant type: Deletion.
Coding change: c.1230del on transcript NM_007294.4 (MANE Select); coding-DNA position 1230, one base deleted (T; older notation c.1230delT).
Protein change: p.Asp411fs; shifts the reading frame from aspartic acid 411.
Molecular consequence: frameshift variant. On other transcripts: intron variant (137).
Genome position (GRCh38, 1-based): chr17:43,094,301, A deleted on the plus strand (T on the coding strand, the reverse complement: BRCA1 is on the minus strand). VCF-style (leftmost placement, unchanged base first): chr17-43094300-CA-C. GRCh37 (hg19) VCF-style: chr17-41246317-CA-C.
Other names: c.1089del, p.Asp364fs (NM_001407727.1, NM_001407730.1, NM_001407731.1 and 29 more transcripts); c.897del, p.Asp300fs (NM_001407952.1, NM_001407957.1, NM_001407953.1 and 6 more transcripts); c.894del, p.Asp299fs (NM_001407955.1, NM_001407956.1, NM_001407958.1 and 1 more transcripts); c.1017del, p.Asp340fs (NM_001407853.1, NM_001407894.1, NM_001407895.1 and 9 more transcripts); c.1230del, p.Asp411fs (NM_001407854.1, NM_001407858.1, NM_001407859.1 and 30 more transcripts); c.1227del, p.Asp410fs (NM_001407860.1, NM_001407861.1, NM_001407587.1 and 22 more transcripts); c.1029del, p.Asp344fs (NM_001407862.1); c.1107del, p.Asp370fs (NM_001407863.1, NM_001407919.1, NM_001407937.1 and 19 more transcripts); and 40 more; short protein forms D364fs, D411fs, D115fs, D299fs, D322fs, D323fs, D340fs, D343fs.
Identifiers: ClinVar variation 531273 (VCV000531273.8), dbSNP rs1555592108, ClinGen allele CA658798849.

ClinVar aggregate classification (germline): Pathogenic (1 of 4 stars; one submission).

Conditions:
Hereditary breast ovarian cancer syndrome. Also called: Hereditary breast and ovarian cancer syndrome (HBOC); BRCA1- and BRCA2-Associated Hereditary Breast and Ovarian Cancer; Hereditary breast and ovarian cancer syndrome; Breast and ovarian cancer; Hereditary breast and ovarian cancer; Hereditary breast and/or ovarian cancer syndrome. Identifiers: Orphanet 145, MedGen C0677776, MeSH D061325, MONDO:0003582. Disease mechanism: loss of function.

Submission:

Labcorp Genetics (formerly Invitae), Labcorp
Classification: Pathogenic for Hereditary breast ovarian cancer syndrome. Last evaluated: 2017-10-27. Review status: criteria provided, single submitter. Criteria: Invitae Variant Classification Sherloc (09022015). Collection method: clinical testing. Allele origin: germline.
Comment: Loss-of-function variants in BRCA1 are known to be pathogenic (PMID: 20104584). For these reasons, this variant has been classified as Pathogenic. This variant has not been reported in the literature in individuals with BRCA1-related disease. This variant is not present in population databases (ExAC no frequency). This sequence change creates a premature translational stop signal (p.Asp411Metfs*6) in the BRCA1 gene. It is expected to result in an absent or disrupted protein product.

Literature cited by the submitters: PubMed 20104584.